The following is an entry in ClinVar:

NM_025144.4(ALPK1):c.2111T>C (p.Met704Thr)

Gene: ALPK1 (alpha kinase 1; plus strand). Cytogenetic location: 4q25.
Variant type: single nucleotide variant.
Coding change: c.2111T>C on transcript NM_025144.4 (MANE Select); coding-DNA position 2111, T replaced by C.
Protein change: p.Met704Thr; replaces methionine 704 with threonine.
Molecular consequence: missense variant.
Genome position (GRCh38, 1-based): chr4:112,431,658, T>C. VCF-style: chr4-112431658-T-C. GRCh37 (hg19) VCF-style: chr4-113352814-T-C.
Other names: c.2111T>C, p.Met704Thr (NM_001102406.2); c.1877T>C, p.Met626Thr (NM_001253884.2); short protein forms M626T, M704T.
Identifiers: ClinVar variation 2798981 (VCV002798981.3), dbSNP rs1230907454, ClinGen allele CA357896817.
Genomic context (GRCh38, chr4:112,431,658, plus strand): 5'-TGGCCCCTGGTGCAGGGCTTCTAGAAGGAGCTCCAGAAGGTATCCAGGAAGTCAGAAATA[T>C]GGGACCCAGAAATACTTCTGCTCACTCCAGACCCTCATATCGTTCTGCTTCTTGGTCTTC-3'
Protein context (NP_079420.3, residues 694-714): APEGIQEVRN[Met704Thr]GPRNTSAHSR

ClinVar aggregate classification (germline): Uncertain significance (1 of 4 stars; one submission).

Allele frequency attached by ClinVar (database versions not stated): gnomAD exomes below 0.00001.
gnomAD v4.1: 2 of 1,614,196 alleles (0.00012%); highest among the groups gnomAD compares: South Asian, 0.0011%; no homozygotes.

Submission:

Labcorp Genetics (formerly Invitae), Labcorp
Classification: Uncertain significance. Last evaluated: 2024-10-26. Review status: criteria provided, single submitter. Criteria: Invitae Variant Classification Sherloc (09022015). Collection method: clinical testing. Allele origin: germline.
Comment: This sequence change replaces methionine, which is neutral and non-polar, with threonine, which is neutral and polar, at codon 704 of the ALPK1 protein (p.Met704Thr). This variant is not present in population databases (gnomAD no frequency). This variant has not been reported in the literature in individuals affected with ALPK1-related conditions. Invitae Evidence Modeling of protein sequence and biophysical properties (such as structural, functional, and spatial information, amino acid conservation, physicochemical variation, residue mobility, and thermodynamic stability) indicates that this missense variant is not expected to disrupt ALPK1 protein function with a negative predictive value of 80%. In summary, the available evidence is currently insufficient to determine the role of this variant in disease. Therefore, it has been classified as a Variant of Uncertain Significance.